The following is an entry in ClinVar:

NM_018489.3(ASH1L):c.8788del (p.Ile2930fs)

Gene: ASH1L (ASH1 like histone lysine methyltransferase; minus strand). Cytogenetic location: 1q22.
Variant type: Deletion.
Coding change: c.8788del on transcript NM_018489.3 (MANE Select); coding-DNA position 8788, one base deleted (A; older notation c.8788delA).
Protein change: p.Ile2930fs; shifts the reading frame from isoleucine 2930.
Molecular consequence: frameshift variant.
Genome position (GRCh38, 1-based): chr1:155,338,104, T deleted on the plus strand (A on the coding strand, the reverse complement: ASH1L is on the minus strand); the first of 6 consecutive T bases (chr1:155,338,104-155,338,109); deleting any one gives the same sequence. VCF-style (leftmost placement, unchanged base first): chr1-155338103-AT-A. GRCh37 (hg19) VCF-style: chr1-155307894-AT-A.
Other names: c.8803del, p.Ile2935fs (NM_001366177.2); short protein forms I2930fs, I2935fs.
Identifiers: ClinVar variation 4851459 (VCV004851459.1).
Genomic context (GRCh38, chr1:155,338,103, plus strand): 5'-TTTCGCATTTATCTTAAACCCTAGATATGAACCTGATTCTTCTTACCATTTTTTCCAGGG[AT>A]TTTTTCAAGGAGATTGAGCAAGATCTGGTTGAGTCGTTCCCGTTGGTTATGCCGTCGTTC-3'

ClinVar aggregate classification (germline): Likely pathogenic (1 of 4 stars; one submission).

Conditions:
Intellectual developmental disorder, autosomal dominant 52. Also called: Intellectual disability, autosomal dominant 52; Mental retardation, autosomal dominant 52. Identifiers: MedGen C4540478, MONDO:0030918, OMIM 617796.

Submission:

Institute of Immunology and Genetics Kaiserslautern
Classification: Likely pathogenic for Intellectual developmental disorder, autosomal dominant 52. Last evaluated: 2025-09-29. Review status: criteria provided, single submitter. Criteria: ACMG Guidelines, 2015. Collection method: clinical testing. Allele origin: germline. Affected: yes.
Comment: ACMG Criteria: PVS1, PM2; Variant was found in heterozygous state.